The following is an entry in ClinVar:

ClinVar aggregate classification (germline): Uncertain significance (1 of 4 stars; one submission).

Allele frequency attached by ClinVar (database versions not stated): gnomAD exomes below 0.00001; TOPMed 0.00001.

Submission:

Ambry Genetics
Classification: Uncertain significance. Last evaluated: 2024-03-16. Review status: criteria provided, single submitter. Criteria: Ambry Variant Classification Scheme 2023. Collection method: clinical testing. Allele origin: germline.
Comment: The p.M1758V variant (also known as c.5272A>G), located in coding exon 4 of the ALPK2 gene, results from an A to G substitution at nucleotide position 5272. The methionine at codon 1758 is replaced by valine, an amino acid with highly similar properties. This amino acid position is conserved. In addition, this alteration is predicted to be tolerated by in silico analysis. Since supporting evidence is limited at this time, the clinical significance of this alteration remains unclear.

NM_052947.4(ALPK2):c.5272A>G (p.Met1758Val)

Genes: ALPK2 (alpha kinase 2; minus strand), LOC130062577 (ATAC-STARR-seq lymphoblastoid active region 13389; plus strand). Cytogenetic location: 18q21.31.
Variant type: single nucleotide variant.
Coding change: c.5272A>G on transcript NM_052947.4 (MANE Select); coding-DNA position 5272, A replaced by G.
Protein change: p.Met1758Val; replaces methionine 1758 with valine.
Molecular consequence: missense variant.
Genome position (GRCh38, 1-based): chr18:58,534,915, T>C on the plus strand (A>G on the coding strand, the complement: ALPK2 is on the minus strand). VCF-style: chr18-58534915-T-C. GRCh37 (hg19) VCF-style: chr18-56202147-T-C.
Other names: short protein forms M1758V.
Identifiers: ClinVar variation 1746522 (VCV001746522.2), dbSNP rs1320348768, ClinGen allele CA402557268.